The following is an entry in ClinVar:

ClinVar aggregate classification (germline): Uncertain significance (1 of 4 stars; one submission).

gnomAD v4.1: 4 of 1,614,258 alleles (0.00025%); highest among the groups gnomAD compares: South Asian, 0.0011%; no homozygotes.

Submission:

Labcorp Genetics (formerly Invitae), Labcorp
Classification: Uncertain significance. Last evaluated: 2025-09-03. Review status: criteria provided, single submitter. Criteria: Invitae Variant Classification Sherloc (09022015). Collection method: clinical testing. Allele origin: germline.
Comment: This sequence change replaces methionine, which is neutral and non-polar, with valine, which is neutral and non-polar, at codon 2572 of the TRRAP protein (p.Met2572Val). This variant is not present in population databases (gnomAD no frequency). This variant has not been reported in the literature in individuals affected with TRRAP-related conditions. Invitae Evidence Modeling of protein sequence and biophysical properties (such as structural, functional, and spatial information, amino acid conservation, physicochemical variation, residue mobility, and thermodynamic stability) indicates that this missense variant is not expected to disrupt TRRAP protein function with a negative predictive value of 80%. In summary, the available evidence is currently insufficient to determine the role of this variant in disease. Therefore, it has been classified as a Variant of Uncertain Significance.

NM_001375524.1(TRRAP):c.7789A>G (p.Met2597Val)

Gene: TRRAP (transformation/transcription domain associated protein; plus strand). Cytogenetic location: 7q22.1.
Variant type: single nucleotide variant.
Coding change: c.7789A>G on transcript NM_001375524.1 (MANE Select); coding-DNA position 7789, A replaced by G.
Protein change: p.Met2597Val; replaces methionine 2597 with valine.
Molecular consequence: missense variant.
Genome position (GRCh38, 1-based): chr7:98,971,895, A>G. VCF-style: chr7-98971895-A-G. GRCh37 (hg19) VCF-style: chr7-98569518-A-G.
Other names: c.7768A>G, p.Met2590Val (NM_001244580.2); c.7714A>G, p.Met2572Val (NM_003496.4); short protein forms M2572V, M2597V, M2590V.
Identifiers: ClinVar variation 4696892 (VCV004696892.1).